The following is an entry in ClinVar:

NM_015978.3(TNNI3K):c.791A>T (p.His264Leu)

Genes: FPGT-TNNI3K (FPGT-TNNI3K readthrough; plus strand), TNNI3K (TNNI3 interacting kinase; plus strand). Cytogenetic location: 1p31.1.
Variant type: single nucleotide variant.
Coding change: c.791A>T on transcript NM_015978.3 (MANE Select); coding-DNA position 791, A replaced by T.
Protein change: p.His264Leu; replaces histidine 264 with leucine.
Molecular consequence: missense variant.
Genome position (GRCh38, 1-based): chr1:74,342,950, A>T. VCF-style: chr1-74342950-A-T. GRCh37 (hg19) VCF-style: chr1-74808634-A-T.
Other names: c.1094A>T, p.His365Leu (NM_001112808.3, NM_001199327.2); short protein forms H264L, H365L.
Identifiers: ClinVar variation 3242078 (VCV003242078.1), dbSNP rs1460468795.
Genomic context (GRCh38, chr1:74,342,950, plus strand): 5'-GATTTGGACACCATGATATAGTTAAGTATCTGCTGCAAAGTGATTTGGAAGTTCAACCTC[A>T]TGTTGTTAATATCTATGGAGATACCCCCTTACACCTGTGAGTATTATGTAGCATTCCATA-3'
Protein context (NP_057062.1, residues 254-274): LLQSDLEVQP[His264Leu]VVNIYGDTPL

ClinVar aggregate classification (germline): Uncertain significance (1 of 4 stars; one submission).

Conditions:
Atrial conduction disease. Identifiers: Orphanet 436242, MedGen CN221670, MONDO:0014500.

Allele frequency attached by ClinVar (database versions not stated): gnomAD 0.00001.
gnomAD v4.1: 3 of 1,613,760 alleles (0.00019%); highest among the groups gnomAD compares: South Asian, 0.0033%; no homozygotes.

Submission:

Neuberg Centre For Genomic Medicine, NCGM
Classification: Uncertain significance for Cardiac conduction disease with or without dilated cardiomyopathy 1. Review status: criteria provided, single submitter. Criteria: ACMG Guidelines, 2015. Collection method: clinical testing. Allele origin: germline. Inheritance: Autosomal dominant inheritance. Affected: yes.
Comment: The observed missense c.791A>T(p.His264Leu) variant in TNNI3K gene has not been reported previously as a pathogenic variant nor a benign variant, to our knowledge. The p.His264Leu variant has been reported with allele frequency of 0.0004% in gnomAD Exomes. This variant has not been submitted to the ClinVar database. The amino acid change p.His264Leu in TNNI3K is predicted as conserved by GERP++ and PhyloP across 100 vertebrates. The amino acid His at position 264 is changed to a Leu changing protein sequence and it might alter its composition and physico-chemical properties. For these reasons, this variant has been classified as a Variant of Uncertain Significance (VUS).